The following is an entry in ClinVar:

ClinVar aggregate classification (germline): Uncertain significance. Review status: criteria provided, multiple submitters, no conflicts (2 of 4 stars). 7 submissions from 7 submitters: Uncertain significance (7). Last evaluated 2026-07-30.

Conditions:
Familial adenomatous polyposis 4 (FAP4). Also called: MSH3-related attenuated familial adenomatous polyposis. Identifiers: Orphanet 480536, MedGen C4310719, MONDO:0044300, OMIM 617100.
Hereditary cancer-predisposing syndrome. Also called: Neoplastic Syndromes, Hereditary; Tumor predisposition; Hereditary neoplastic syndrome; Hereditary Cancer Syndrome. Identifiers: Orphanet 140162, MedGen C0027672, MeSH D009386, MONDO:0015356.
MSH3-related disorder. Also called: MSH3-related condition.
Endometrial carcinoma. Also called: Endometrial carcinoma, somatic. Identifiers: MedGen C0476089, MONDO:0002447, OMIM 608089, HP:0012114.

Allele frequency attached by ClinVar (database versions not stated): gnomAD exomes below 0.00001 and 0.00002; gnomAD 0.00002 and 0.00003; TOPMed 0.00002; ExAC 0.00004; 1000 Genomes Project 30x 0.00016; 1000 Genomes Project 0.00020; ESP Exome Variant Server 0.00023.
gnomAD v4.1: 9 of 1,613,906 alleles (0.00056%); highest among the groups gnomAD compares: Non-Finnish European, 0.00076%; no homozygotes.

Submissions (7):

PreventionGenetics, part of Exact Sciences
Classification: Uncertain significance for MSH3-related condition. Last evaluated: 2026-07-30. Review status: criteria provided, single submitter. Criteria: ACMG Guidelines, 2015. Collection method: clinical testing. Allele origin: germline.
Comment: The MSH3 c.3346G>T variant is predicted to result in the amino acid substitution p.Ala1116Ser. This variant has been reported in individual(s) from a large cohort study of colorectal cancer cases (Table S2. DeRycke et al 2017. PubMed ID: 28944238). This variant is reported in 0.0039% of alleles in individuals of European (Non-Finnish) descent in gnomAD. This variant is interpreted as a variant of uncertain significance in ClinVar (Variation ID: 645058). At this time, the clinical significance of this variant is uncertain due to the absence of conclusive functional and genetic evidence.

St. Jude Molecular Pathology, St. Jude Children's Research Hospital
Classification: Uncertain significance for Familial adenomatous polyposis 4. Last evaluated: 2026-02-20. Review status: criteria provided, single submitter. Criteria: St. Jude Assertion Criteria 2020. Collection method: clinical testing. Allele origin: germline.
Comment: The MSH3 c.3346G>T p.(A la1116Ser) missense change has a maximum subpopulation frequency of 0.004% in gnomAD v2.1.1. The in silico tool REVEL predicts a benign effect on protein function, but to our knowledge this prediction has not been con firmed by functional studies. This variant has been reported in a cohort of individuals with familial colorectal cancer (PMID: 28944238). In summary, the evidence currently available is insufficient to determine the clinical significance of this variant. It has therefore been classified as of uncertain significance.

Labcorp Genetics (formerly Invitae), Labcorp
Classification: Uncertain significance. Last evaluated: 2024-11-04. Review status: criteria provided, single submitter. Criteria: Invitae Variant Classification Sherloc (09022015). Collection method: clinical testing. Allele origin: germline.
Comment: This sequence change replaces alanine, which is neutral and non-polar, with serine, which is neutral and polar, at codon 1116 of the MSH3 protein (p.Ala1116Ser). This variant is present in population databases (rs200343553, gnomAD 0.005%). This missense change has been observed in individual(s) with colorectal cancer (PMID: 28944238). ClinVar contains an entry for this variant (Variation ID: 645058). An algorithm developed to predict the effect of missense changes on protein structure and function (PolyPhen-2) suggests that this variant¬†is likely to be tolerated. In summary, the available evidence is currently insufficient to determine the role of this variant in disease. Therefore, it has been classified as a Variant of Uncertain Significance.

Ambry Genetics
Classification: Uncertain significance for Hereditary cancer-predisposing syndrome. Last evaluated: 2024-08-14. Review status: criteria provided, single submitter. Criteria: Ambry Variant Classification Scheme 2023. Collection method: clinical testing. Allele origin: germline.
Comment: The p.A1116S variant (also known as c.3346G>T), located in coding exon 24 of the MSH3 gene, results from a G to T substitution at nucleotide position 3346. The alanine at codon 1116 is replaced by serine, an amino acid with similar properties. In one study, this variant was detected in a cohort of 1046 familial colorectal cancer cases and not in 1006 control subjects (Raskin L et al. Oncotarget, 2017 Nov;8:93450-93463). This amino acid position is not well conserved in available vertebrate species. In addition, this alteration is predicted to be tolerated by in silico analysis. Based on the available evidence, the clinical significance of this variant remains unclear.

GeneDx
Classification: Uncertain significance. Last evaluated: 2024-06-27. Review status: criteria provided, single submitter. Criteria: GeneDx Variant Classification Process June 2021. Collection method: clinical testing. Allele origin: germline. Affected: yes.
Comment: Not observed at significant frequency in large population cohorts (gnomAD); In silico analysis indicates that this missense variant does not alter protein structure/function; Observed in individuals with colorectal cancer and/or polyps, and absent in controls (PMID: 28944238); This variant is associated with the following publications: (PMID: 29212164, 28944238)

Baylor Genetics
Classification: Uncertain significance for Endometrial carcinoma. Last evaluated: 2024-02-03. Review status: criteria provided, single submitter. Criteria: ACMG Guidelines, 2015. Collection method: clinical testing. Allele origin: unknown.

Sema4
Classification: Uncertain significance for Hereditary cancer-predisposing syndrome. Last evaluated: 2022-03-09. Review status: criteria provided, single submitter. Criteria: Sema4 Curation Guidelines. Collection method: curation. Allele origin: germline.
Comment: The MSH3 c.3346G>T (p.A1116S) variant has been reported in heterozygosity in at least 1 individual with colorectal cancer (PMID: 28944238). It was observed in 5/128896 chromosomes of the Non-Finnish European subpopulation in the large and broad cohorts of the Genome Aggregation Database (PMID: 32461654). This variant has been reported in ClinVar (Variation ID: 645058). Functional studies have not been performed, and in silico predictions of the variant's effect on protein function are inconclusive. The evidence is insufficient to meet ACMG/AMP criteria for classifying the variant as benign or pathogenic. Thus, the clinical significance of this variant is currently uncertain.

Literature cited by the submitters: PubMed 28944238 (cited by Labcorp Genetics (formerly Invitae), Labcorp and Sema4); PubMed 29212164 (cited by Ambry Genetics).

NM_002439.5(MSH3):c.3346G>T (p.Ala1116Ser)

Gene: MSH3 (mutS homolog 3; plus strand). Cytogenetic location: 5q14.1.
Variant type: single nucleotide variant.
Coding change: c.3346G>T on transcript NM_002439.5 (MANE Select); coding-DNA position 3346, G replaced by T.
Protein change: p.Ala1116Ser; replaces alanine 1116 with serine.
Molecular consequence: missense variant.
Genome position (GRCh38, 1-based): chr5:80,875,794, G>T. VCF-style: chr5-80875794-G-T. GRCh37 (hg19) VCF-style: chr5-80171613-G-T.
Other names: short protein forms A1116S.
Identifiers: ClinVar variation 645058 (VCV000645058.17), dbSNP rs200343553, ClinGen allele CA3328528.